The following is an entry in ClinVar:

NM_201384.3(PLEC):c.5201A>G (p.Glu1734Gly)

Gene: PLEC (plectin; minus strand). Cytogenetic location: 8q24.3.
Variant type: single nucleotide variant.
Coding change: c.5201A>G on transcript NM_201384.3 (MANE Select); coding-DNA position 5201, A replaced by G.
Protein change: p.Glu1734Gly; replaces glutamic acid 1734 with glycine.
Molecular consequence: missense variant.
Genome position (GRCh38, 1-based): chr8:143,924,728, T>C on the plus strand (A>G on the coding strand, the complement: PLEC is on the minus strand). VCF-style: chr8-143924728-T-C. GRCh37 (hg19) VCF-style: chr8-144998896-T-C.
Other names: c.5282A>G, p.Glu1761Gly (NM_000445.5); c.5159A>G, p.Glu1720Gly (NM_201378.4); c.5135A>G, p.Glu1712Gly (NM_201379.3); c.5612A>G, p.Glu1871Gly (NM_201380.4); c.5105A>G, p.Glu1702Gly (NM_201381.3); c.5201A>G, p.Glu1734Gly (NM_201382.4); c.5213A>G, p.Glu1738Gly (NM_201383.3); short protein forms E1720G, E1734G, E1712G, E1738G, E1702G, E1761G, E1871G.
Identifiers: ClinVar variation 538951 (VCV000538951.6), dbSNP rs1554698803, ClinGen allele CA372548853.
Genomic context (GRCh38, chr8:143,924,728, plus strand): 5'-TCCAGCTCCTGCCGTTTCTGCGTGGCTGCAGCCGCCTCACGCTGCAGCCGGGCCAGCTCC[T>C]CCTCCAGCAGCTGCCGCTGCTGCTCCCCCTGCTCCGTCTCGGCCCGCAGCCGGATCAACT-3'
Protein context (NP_958786.1, residues 1724-1744): QGEQQRQLLE[Glu1734Gly]ELARLQREAA

ClinVar aggregate classification (germline): Uncertain significance (1 of 4 stars; one submission).

Conditions:
Epidermolysis bullosa simplex with nail dystrophy (EBS5D). Identifiers: MedGen C4225309, MONDO:0014661, OMIM 616487.
Epidermolysis bullosa simplex 5B, with muscular dystrophy (EBS5B). Also called: EPIDERMOLYSIS BULLOSA SIMPLEX AND LIMB-GIRDLE MUSCULAR DYSTROPHY; Epidermolysis bullosa simplex with muscular dystrophy. Identifiers: Orphanet 257, MedGen C2931072, MONDO:0009181, OMIM 226670.
Epidermolysis bullosa simplex, Ogna type (EBS5A). Also called: Pidermolysis bullosa simplex 5A, Ogna type; EPIDERMOLYSIS BULLOSA SIMPLEX 5A, OGNA TYPE. Identifiers: Orphanet 79401, MedGen C0432317, MONDO:0007555, OMIM 131950.
Autosomal recessive limb-girdle muscular dystrophy type 2Q (LGMDR17). Also called: MUSCULAR DYSTROPHY, LIMB-GIRDLE, AUTOSOMAL RECESSIVE 17. Identifiers: Orphanet 254361, MedGen C3150989, MONDO:0013390, OMIM 613723.
Epidermolysis bullosa simplex 5C, with pyloric atresia (EBS5C). Also called: PLEC-Related Epidermolysis Bullosa with Pyloric Atresia; Epidermolysis bullosa simplex with pyloric atresia; PLEC1-Related Epidermolysis Bullosa with Pyloric Atresia. Identifiers: Orphanet 158684, MedGen C2677349, MONDO:0012807, OMIM 612138.

Allele frequency attached by ClinVar (database versions not stated): TOPMed below 0.00001; gnomAD 0.00001; gnomAD exomes 0.00001 and 0.00002.

Submission:

Labcorp Genetics (formerly Invitae), Labcorp
Classification: Uncertain significance for Autosomal recessive limb-girdle muscular dystrophy type 2Q; Epidermolysis bullosa simplex, Ogna type; Epidermolysis bullosa simplex with nail dystrophy; Epidermolysis bullosa simplex 5C, with pyloric atresia; Epidermolysis bullosa simplex 5B, with muscular dystrophy. Last evaluated: 2020-03-07. Review status: criteria provided, single submitter. Criteria: Invitae Variant Classification Sherloc (09022015). Collection method: clinical testing. Allele origin: germline.
Comment: In summary, the available evidence is currently insufficient to determine the role of this variant in disease. Therefore, it has been classified as a Variant of Uncertain Significance. Algorithms developed to predict the effect of missense changes on protein structure and function do not agree on the potential impact of this missense change (SIFT: "Tolerated"; PolyPhen-2: "Probably Damaging"; Align-GVGD: "Class C15"). This variant has not been reported in the literature in individuals with PLEC-related disease. While this variant is not present in population databases, the frequency information is unreliable, as metrics indicate poor data quality at this position in the ExAC database. This sequence change replaces glutamic acid with glycine at codon 1761 of the PLEC protein (p.Glu1761Gly). The glutamic acid residue is highly conserved and there is a moderate physicochemical difference between glutamic acid and glycine.